The following is an entry in ClinVar:

NM_000489.6(ATRX):c.3737-3_3737-1del

Gene: ATRX (ATRX chromatin remodeler; minus strand). Cytogenetic location: Xq21.1.
Variant type: Deletion.
Coding change: c.3737-3_3737-1del on transcript NM_000489.6 (MANE Select); 3 bases into the intron before coding-DNA position 3737 through the canonical splice acceptor site of the intron before coding-DNA position 3737, 3 bases deleted (AAG; older notation c.3737-3_3737-1delAAG).
Molecular consequence: splice acceptor variant.
Genome position (GRCh38, 1-based): chrX:77,676,299-77,676,301, CTT deleted on the plus strand (AAG on the coding strand, the reverse complement: ATRX is on the minus strand). VCF-style (leftmost placement, unchanged base first): chrX-77676298-CCTT-C. GRCh37 (hg19) VCF-style: chrX-76931793-CCTT-C.
Other names: c.3737-3_3737-1delAAG (NM_000489.6); c.3623-3_3623-1del (NM_138270.5).
Identifiers: ClinVar variation 4856408 (VCV004856408.1).
Genomic context (GRCh38, chrX:77,676,298, plus strand): 5'-TCATTGTCGTCATCATCATCATCCACTGTGACAGGCACTGATTTAGATAAGGCTTCATCT[CCTT>C]GAGGGAAAAAAGTGTACTTAAAATTAGCTTTAAATAAGCTATATAATTAAAACCATGTAA-3'

ClinVar aggregate classification (germline): Pathogenic (1 of 4 stars; one submission).

Conditions:
Intellectual disability-hypotonic facies syndrome, X-linked, 1 (MRXHF1). Also called: XLMR-HYPOTONIC FACIES SYNDROME; Smith Fineman Myers syndrome 1; X-linked intellectual disability-hypotonic face syndrome; CHUDLEY-LOWRY SYNDROME; Chudley syndrome 1; Chudley-Lowry-Hoar syndrome. Identifiers: Orphanet 73220, Orphanet 93970, Orphanet 93971, Orphanet 93972, Orphanet 93973, Orphanet 93974, Orphanet 93975, MedGen C4759781, MONDO:0010663, OMIM 309580.

Submission:

Gansu Provincial Maternity and Child Care Hospital
Classification: Pathogenic for Intellectual disability-hypotonic facies syndrome, X-linked, 1. Last evaluated: 2026-06-02. Review status: criteria provided, single submitter. Criteria: ACMG Guidelines, 2015. Collection method: clinical testing. Allele origin: de novo. Inheritance: X-linked recessive inheritance. Affected: yes.
Comment: The c.3737-3_3737-1delAAG variant is a canonical splice sites variant (PVS1). Parental verification confirmed it as a de novo variant (PS2). This site is not recorded in the gnomAD database (PM2_supporting).This variant is classified as pathogenic.